The following is an entry in ClinVar:

ClinVar aggregate classification (germline): Likely benign. Review status: criteria provided, multiple submitters, no conflicts (2 of 4 stars). 2 submissions from 2 submitters: Likely benign (2). Last evaluated 2026-09-01.

Allele frequency attached by ClinVar (database versions not stated): TOPMed 0.00002; gnomAD 0.00003.

Submissions (2):

CeGaT Center for Human Genetics Tuebingen
Classification: Likely benign. Last evaluated: 2026-09-01. Review status: criteria provided, single submitter. Criteria: CeGaT Center For Human Genetics Tuebingen Variant Classification Criteria Version 2. Collection method: clinical testing. Allele origin: germline. Affected: yes. Observed: 1 variant allele.
Comment: NKX2-1: BP4, BP7

Labcorp Genetics (formerly Invitae), Labcorp
Classification: Likely benign. Last evaluated: 2024-08-14. Review status: criteria provided, single submitter. Criteria: Invitae Variant Classification Sherloc (09022015). Collection method: clinical testing. Allele origin: germline.

NM_001079668.3(NKX2-1):c.981G>T (p.Ala327=)

Genes: NKX2-1 (NK2 homeobox 1; minus strand), SFTA3 (surfactant associated 3; minus strand). Cytogenetic location: 14q13.3.
Variant type: single nucleotide variant.
Coding change: c.981G>T on transcript NM_001079668.3 (MANE Select); coding-DNA position 981, G replaced by T.
Protein change: p.Ala327=; no amino-acid change (alanine 327 retained).
Molecular consequence: synonymous variant.
Genome position (GRCh38, 1-based): chr14:36,517,503, C>A on the plus strand (G>T on the coding strand, the complement: NKX2-1 is on the minus strand). VCF-style: chr14-36517503-C-A. GRCh37 (hg19) VCF-style: chr14-36986708-C-A.
Other names: c.891G>T, p.Ala297= (NM_003317.4).
Identifiers: ClinVar variation 2190471 (VCV002190471.5), dbSNP rs1026071267, ClinGen allele CA258877871.
Genomic context (GRCh38, chr14:36,517,503, plus strand): 5'-CGGGTGTGCGCCAAGGCCGGCGCCACCGCTGCCCACGGAGATGGCCGCTGCCGCCGCCTG[C>A]GCGGCCTGCGCCTGGTGCTGCGCCTGCTGCTGCGCGTGGCCTTGTAGGCTGGCGGCGCCC-3'
Protein context (NP_001073136.1, residues 317-337): QQQAQHQAQA[Ala327=]QAAAAAISVG